The following is an entry in ClinVar:

ClinVar aggregate classification (germline): Uncertain significance (1 of 4 stars; one submission).

Submission:

GeneDx
Classification: Uncertain significance. Last evaluated: 2024-12-26. Review status: criteria provided, single submitter. Criteria: GeneDx Variant Classification Process June 2021. Collection method: clinical testing. Allele origin: germline. Affected: yes.
Comment: In silico analysis indicates that this variant does not alter splicing; Has not been previously published as pathogenic or benign to our knowledge

NM_001039141.3(TRIOBP):c.5235A>G (p.Arg1745=)

Gene: TRIOBP (TRIO and F-actin binding protein; plus strand). Cytogenetic location: 22q13.1.
Variant type: single nucleotide variant.
Coding change: c.5235A>G on transcript NM_001039141.3 (MANE Select); coding-DNA position 5235, A replaced by G.
Protein change: p.Arg1745=; no amino-acid change (arginine 1745 retained).
Molecular consequence: synonymous variant.
Genome position (GRCh38, 1-based): chr22:37,740,945, A>G. VCF-style: chr22-37740945-A-G. GRCh37 (hg19) VCF-style: chr22-38136952-A-G.
Identifiers: ClinVar variation 3907821 (VCV003907821.1).